The following is an entry in ClinVar:

ClinVar aggregate classification (germline): Uncertain significance (1 of 4 stars; one submission).

gnomAD v4.1: 8 of 1,614,000 alleles (0.0005%); highest among the groups gnomAD compares: Middle Eastern, 0.049%; no homozygotes.

Submission:

GeneDx
Classification: Uncertain significance. Last evaluated: 2024-08-20. Review status: criteria provided, single submitter. Criteria: GeneDx Variant Classification Process June 2021. Collection method: clinical testing. Allele origin: germline. Affected: yes.
Comment: Not observed at significant frequency in large population cohorts (gnomAD); In silico analysis supports that this missense variant has a deleterious effect on protein structure/function; Has not been previously published as pathogenic or benign to our knowledge

NM_004817.4(TJP2):c.2107C>T (p.Arg703Trp)

Gene: TJP2 (tight junction protein 2; plus strand). Cytogenetic location: 9q21.11.
Variant type: single nucleotide variant.
Coding change: c.2107C>T on transcript NM_004817.4 (MANE Select); coding-DNA position 2107, C replaced by T.
Protein change: p.Arg703Trp; replaces arginine 703 with tryptophan.
Molecular consequence: missense variant.
Genome position (GRCh38, 1-based): chr9:69,237,064, C>T. VCF-style: chr9-69237064-C-T. GRCh37 (hg19) VCF-style: chr9-71851980-C-T.
Other names: c.2038C>T, p.Arg680Trp (NM_001170414.2, NM_001369871.1); c.2119C>T, p.Arg707Trp (NM_001170415.1, NM_001369874.1, NM_001369875.1); c.2200C>T, p.Arg734Trp (NM_001170416.2); c.2032C>T, p.Arg678Trp (NM_001369870.1); c.2107C>T, p.Arg703Trp (NM_001369872.1, NM_001369873.1, NM_201629.3); short protein forms R678W, R680W, R703W, R707W, R734W.
Identifiers: ClinVar variation 3764346 (VCV003764346.1).